The following is an entry in ClinVar:

ClinVar aggregate classification (germline): Uncertain significance (1 of 4 stars; one submission).

Submission:

Labcorp Genetics (formerly Invitae), Labcorp
Classification: Uncertain significance. Last evaluated: 2022-03-03. Review status: criteria provided, single submitter. Criteria: Invitae Variant Classification Sherloc (09022015). Collection method: clinical testing. Allele origin: germline.
Comment: In summary, the available evidence is currently insufficient to determine the role of this variant in disease. Therefore, it has been classified as a Variant of Uncertain Significance. Algorithms developed to predict the effect of missense changes on protein structure and function are either unavailable or do not agree on the potential impact of this missense change (SIFT: "Not Available"; PolyPhen-2: "Benign"; Align-GVGD: "Not Available"). This variant has not been reported in the literature in individuals affected with C9-related conditions. This variant is not present in population databases (gnomAD no frequency). This sequence change replaces leucine, which is neutral and non-polar, with arginine, which is basic and polar, at codon 19 of the C9 protein (p.Leu19Arg).

NM_001737.5(C9):c.56T>G (p.Leu19Arg)

Gene: C9 (complement C9; minus strand). Cytogenetic location: 5p13.1.
Variant type: single nucleotide variant.
Coding change: c.56T>G on transcript NM_001737.5 (MANE Select); coding-DNA position 56, T replaced by G.
Protein change: p.Leu19Arg; replaces leucine 19 with arginine.
Molecular consequence: missense variant.
Genome position (GRCh38, 1-based): chr5:39,364,409, A>C on the plus strand (T>G on the coding strand, the complement: C9 is on the minus strand). VCF-style: chr5-39364409-A-C. GRCh37 (hg19) VCF-style: chr5-39364511-A-C.
Other names: short protein forms L19R.
Identifiers: ClinVar variation 1429206 (VCV001429206.8), dbSNP rs2111999990, ClinGen allele CA359569344.